The following is an entry in ClinVar:

NM_001261826.3(AP3D1):c.1418C>T (p.Thr473Ile)

Gene: AP3D1 (adaptor related protein complex 3 subunit delta 1; minus strand). Cytogenetic location: 19p13.3.
Variant type: single nucleotide variant.
Coding change: c.1418C>T on transcript NM_001261826.3 (MANE Select); coding-DNA position 1418, C replaced by T.
Protein change: p.Thr473Ile; replaces threonine 473 with isoleucine.
Molecular consequence: missense variant.
Genome position (GRCh38, 1-based): chr19:2,120,925, G>A on the plus strand (C>T on the coding strand, the complement: AP3D1 is on the minus strand). VCF-style: chr19-2120925-G-A. GRCh37 (hg19) VCF-style: chr19-2120924-G-A.
Other names: c.1418C>T, p.Thr473Ile (NM_001374799.1, NM_003938.8); short protein forms T473I.
Identifiers: ClinVar variation 3662022 (VCV003662022.2).

ClinVar aggregate classification (germline): Uncertain significance (1 of 4 stars; one submission).

Submission:

Labcorp Genetics (formerly Invitae), Labcorp
Classification: Uncertain significance. Last evaluated: 2024-08-11. Review status: criteria provided, single submitter. Criteria: Invitae Variant Classification Sherloc (09022015). Collection method: clinical testing. Allele origin: germline.
Comment: This sequence change replaces threonine, which is neutral and polar, with isoleucine, which is neutral and non-polar, at codon 473 of the AP3D1 protein (p.Thr473Ile). This variant is not present in population databases (gnomAD no frequency). This variant has not been reported in the literature in individuals affected with AP3D1-related conditions. An algorithm developed to predict the effect of missense changes on protein structure and function (PolyPhen-2) suggests that this variant is likely to be tolerated. In summary, the available evidence is currently insufficient to determine the role of this variant in disease. Therefore, it has been classified as a Variant of Uncertain Significance.